The following is an entry in ClinVar:

ClinVar aggregate classification (germline): Likely pathogenic (1 of 4 stars; one submission).

Conditions:
Hereditary cancer-predisposing syndrome. Also called: Neoplastic Syndromes, Hereditary; Tumor predisposition; Hereditary Cancer Syndrome; Hereditary neoplastic syndrome. Identifiers: Orphanet 140162, MedGen C0027672, MeSH D009386, MONDO:0015356.

Submission:

Ambry Genetics
Classification: Likely pathogenic for Hereditary cancer-predisposing syndrome. Last evaluated: 2020-09-05. Review status: criteria provided, single submitter. Criteria: Ambry Variant Classification Scheme 2023. Collection method: clinical testing. Allele origin: germline.
Comment: The c.8755-6_8755-2delTCACA variant results from a deletion of 5 nucleotides between positions c.8755-6 and c.8755-2 and involves the canonical splice acceptor site before coding exon 21 of the BRCA2 gene. The canonical splice acceptor site is highly conserved in available vertebrate species. Using the BDGP and ESEfinder splice site prediction tools, this alteration is predicted to abolish the native acceptor splice site; however, direct evidence is unavailable. Alterations that disrupt the canonical splice site are expected to cause aberrant splicing, resulting in an abnormal protein or a transcript that is subject to nonsense-mediated mRNA decay. As such, this alteration is classified as likely pathogenic.

NM_000059.4(BRCA2):c.8755-6_8755-2del

Gene: BRCA2 (BRCA2 DNA repair associated; plus strand). Cytogenetic location: 13q13.1.
Variant type: Deletion.
Coding change: c.8755-6_8755-2del on transcript NM_000059.4 (MANE Select); 6 bases into the intron before coding-DNA position 8755 through the canonical splice acceptor site of the intron before coding-DNA position 8755, 5 bases deleted (TCACA; older notation c.8755-6_8755-2delTCACA).
Molecular consequence: splice acceptor variant.
Genome position (GRCh38, 1-based): chr13:32,379,311-32,379,315, TCACA deleted. VCF-style (leftmost placement, unchanged base first): chr13-32379310-GTCACA-G. GRCh37 (hg19) VCF-style: chr13-32953447-GTCACA-G.
Identifiers: ClinVar variation 1764551 (VCV001764551.2), dbSNP rs2548554880, ClinGen allele CA2580087449.